The following is an entry in ClinVar:

ClinVar aggregate classification (germline): Uncertain significance (1 of 4 stars; one submission).

Conditions:
Rhabdoid tumor predisposition syndrome 2 (RTPS2). Identifiers: Orphanet 231108, Orphanet 69077, MedGen C2750074, MONDO:0013224, OMIM 613325.

Allele frequency attached by ClinVar (database versions not stated): gnomAD exomes below 0.00001.
gnomAD v4.1: 1 of 1,613,792 alleles (0.000062%); highest among the groups gnomAD compares: Non-Finnish European, 0.000085%; no homozygotes.

Submission:

Labcorp Genetics (formerly Invitae), Labcorp
Classification: Uncertain significance for Rhabdoid tumor predisposition syndrome 2. Last evaluated: 2021-07-14. Review status: criteria provided, single submitter. Criteria: Invitae Variant Classification Sherloc (09022015). Collection method: clinical testing. Allele origin: germline.
Comment: Algorithms developed to predict the effect of missense changes on protein structure and function (SIFT, PolyPhen-2, Align-GVGD) all suggest that this variant is likely to be disruptive, but these predictions have not been confirmed by published functional studies and their clinical significance is uncertain. In summary, the available evidence is currently insufficient to determine the role of this variant in disease. Therefore, it has been classified as a Variant of Uncertain Significance. This variant has not been reported in the literature in individuals with SMARCA4-related conditions. This sequence change replaces serine with proline at codon 122 of the SMARCA4 protein (p.Ser122Pro). The serine residue is highly conserved and there is a moderate physicochemical difference between serine and proline. This variant is not present in population databases (ExAC no frequency).

NM_003072.5(SMARCA4):c.364T>C (p.Ser122Pro)

Gene: SMARCA4 (SWI/SNF related BAF chromatin remodeling complex subunit ATPase 4; plus strand). Cytogenetic location: 19p13.2.
Variant type: single nucleotide variant.
Coding change: c.364T>C on transcript NM_003072.5 (MANE Select); coding-DNA position 364, T replaced by C.
Protein change: p.Ser122Pro; replaces serine 122 with proline.
Molecular consequence: missense variant. On other transcripts: non-coding transcript variant (1).
Genome position (GRCh38, 1-based): chr19:10,986,197, T>C. VCF-style: chr19-10986197-T-C. GRCh37 (hg19) VCF-style: chr19-11096873-T-C.
Other names: c.364T>C, p.Ser122Pro (NM_001128844.3, NM_001128845.2, NM_001128846.2 and 4 more transcripts); short protein forms S122P.
Identifiers: ClinVar variation 1005004 (VCV001005004.8), dbSNP rs2086015550, ClinGen allele CA404055577.
Genomic context (GRCh38, chr19:10,986,197, plus strand): 5'-AAATCACAGACATATGCTGCCGAGTGACCAGTGGGCTGACCTTTCTCTGCAGGTTACCCC[T>C]CGCCCCTGGGTGGCTCTGAGCATGCCTCTAGTCCAGTTCCAGCCAGTGGCCCGTCTTCGG-3'
Protein context (NP_003063.2, residues 112-132): PMDQHSQGYP[Ser122Pro]PLGGSEHASS